The following is an entry in ClinVar:

NM_033100.4(CDHR1):c.998C>T (p.Ala333Val)

Gene: CDHR1 (cadherin related family member 1; plus strand). Cytogenetic location: 10q23.1.
Variant type: single nucleotide variant.
Coding change: c.998C>T on transcript NM_033100.4 (MANE Select); coding-DNA position 998, C replaced by T.
Protein change: p.Ala333Val; replaces alanine 333 with valine.
Molecular consequence: missense variant.
Genome position (GRCh38, 1-based): chr10:84,208,208, C>T. VCF-style: chr10-84208208-C-T. GRCh37 (hg19) VCF-style: chr10-85967964-C-T.
Other names: c.998C>T, p.Ala333Val (NM_001171971.3); short protein forms A333V.
Identifiers: ClinVar variation 1490739 (VCV001490739.6), dbSNP rs372832377, ClinGen allele CA210383126.

ClinVar aggregate classification (germline): Uncertain significance (1 of 4 stars; one submission).

Allele frequency attached by ClinVar (database versions not stated): gnomAD 0.00001; TOPMed 0.00002; ESP Exome Variant Server 0.00008.
gnomAD v4.1: 2 of 1,614,062 alleles (0.00012%); highest among the groups gnomAD compares: African/African-American, 0.0027%; no homozygotes.

Submission:

Labcorp Genetics (formerly Invitae), Labcorp
Classification: Uncertain significance. Last evaluated: 2023-08-14. Review status: criteria provided, single submitter. Criteria: Invitae Variant Classification Sherloc (09022015). Collection method: clinical testing. Allele origin: germline.
Comment: This sequence change replaces alanine, which is neutral and non-polar, with valine, which is neutral and non-polar, at codon 333 of the CDHR1 protein (p.Ala333Val). ClinVar contains an entry for this variant (Variation ID: 1490739). This variant has not been reported in the literature in individuals affected with CDHR1-related conditions. This variant is not present in population databases (gnomAD no frequency). In summary, the available evidence is currently insufficient to determine the role of this variant in disease. Therefore, it has been classified as a Variant of Uncertain Significance. Advanced modeling of protein sequence and biophysical properties (such as structural, functional, and spatial information, amino acid conservation, physicochemical variation, residue mobility, and thermodynamic stability) performed at Invitae indicates that this missense variant is not expected to disrupt CDHR1 protein function.